The following is an entry in ClinVar:

ClinVar aggregate classification (germline): Pathogenic (1 of 4 stars; one submission).

Submission:

Labcorp Genetics (formerly Invitae), Labcorp
Classification: Pathogenic. Last evaluated: 2023-03-30. Review status: criteria provided, single submitter. Criteria: Invitae Variant Classification Sherloc (09022015). Collection method: clinical testing. Allele origin: germline.
Comment: For these reasons, this variant has been classified as Pathogenic. This variant has not been reported in the literature in individuals affected with COL4A3-related conditions. This variant is not present in population databases (gnomAD no frequency). This sequence change creates a premature translational stop signal (p.Ile696Phefs*51) in the COL4A3 gene. It is expected to result in an absent or disrupted protein product. Loss-of-function variants in COL4A3 are known to be pathogenic (PMID: 8956999, 24854265, 26809805, 27281700).

Literature cited by the submitters: PubMed 8956999; PubMed 24854265; PubMed 26809805; PubMed 27281700.

NM_000091.5(COL4A3):c.2086del (p.Ile696fs)

Genes: COL4A3 (collagen type IV alpha 3 chain; plus strand), MFF-DT (MFF divergent transcript; minus strand). Cytogenetic location: 2q36.3.
Variant type: Deletion.
Coding change: c.2086del on transcript NM_000091.5 (MANE Select); coding-DNA position 2086, one base deleted (A; older notation c.2086delA).
Protein change: p.Ile696fs; shifts the reading frame from isoleucine 696.
Molecular consequence: frameshift variant.
Genome position (GRCh38, 1-based): chr2:227,277,514, A deleted; the last of 2 consecutive A bases (chr2:227,277,513-227,277,514); deleting either gives the same sequence. VCF-style (leftmost placement, unchanged base first): chr2-227277512-GA-G. GRCh37 (hg19) VCF-style: chr2-228142228-GA-G.
Other names: short protein forms I696fs.
Identifiers: ClinVar variation 2850475 (VCV002850475.3), dbSNP rs2469732143, ClinGen allele CA2739279184.
Genomic context (GRCh38, chr2:227,277,512, plus strand): 5'-TCCCTGGATCCCTGGGGAAATGTGGAGATCCTGGTCTTCCAGGGCCTGATGGTGAACCAG[GA>G]ATTCCAGGAATTGGATTTCCTGGGCCTCCTGGACCTAAGGGTAAATTTAAAATTTTTTCA-3'